The following is an entry in ClinVar:

ClinVar aggregate classification (germline): Likely benign. Review status: criteria provided, multiple submitters, no conflicts (2 of 4 stars). 2 submissions from 2 submitters: Likely benign (2). Last evaluated 2025-09-23.

Conditions:
Tuberous sclerosis 2 (TSC2). Identifiers: Orphanet 805, MedGen C1860707, MONDO:0013199, OMIM 613254.

gnomAD v4.1: 1 of 1,612,924 alleles (0.000062%); no homozygotes.

Submissions (2):

Labcorp Genetics (formerly Invitae), Labcorp
Classification: Likely benign for Tuberous sclerosis 2. Last evaluated: 2025-09-23. Review status: criteria provided, single submitter. Criteria: Invitae Variant Classification Sherloc (09022015). Collection method: clinical testing. Allele origin: germline.

Myriad Genetics, Inc.
Classification: Likely benign for Tuberous sclerosis 2. Last evaluated: 2025-05-27. Review status: criteria provided, single submitter. Criteria: Myriad Autosomal Dominant, Autosomal Recessive and X-Linked Classification Criteria (2023). Collection method: clinical testing. Allele origin: unknown.
Comment: This variant is considered likely benign. This variant is intronic and is not expected to impact mRNA splicing.

NM_000548.5(TSC2):c.2837+8C>T

Gene: TSC2 (TSC complex subunit 2; plus strand). Cytogenetic location: 16p13.3.
Variant type: single nucleotide variant.
Coding change: c.2837+8C>T on transcript NM_000548.5 (MANE Select); 8 bases into the intron after coding-DNA position 2837, C replaced by T.
Molecular consequence: intron variant.
Genome position (GRCh38, 1-based): chr16:2,076,593, C>T. VCF-style: chr16-2076593-C-T. GRCh37 (hg19) VCF-style: chr16-2126594-C-T.
Other names: c.2837+8C>T (NM_001114382.3, NM_021055.3, NM_001370405.1 and 3 more transcripts); c.2726+8C>T (NM_001318827.2); c.2237+8C>T (NM_001318831.2); c.2690+8C>T (NM_001318829.2); c.2870+8C>T (NM_001318832.2).
Identifiers: ClinVar variation 793199 (VCV000793199.11), dbSNP rs1596369779, ClinGen allele CA915946285.